The following is an entry in ClinVar:

NM_000540.3(RYR1):c.5714A>G (p.Asp1905Gly)

Gene: RYR1 (ryanodine receptor 1; plus strand). Cytogenetic location: 19q13.2.
Variant type: single nucleotide variant.
Coding change: c.5714A>G on transcript NM_000540.3 (MANE Select); coding-DNA position 5714, A replaced by G.
Protein change: p.Asp1905Gly; replaces aspartic acid 1905 with glycine.
Molecular consequence: missense variant.
Genome position (GRCh38, 1-based): chr19:38,489,343, A>G. VCF-style: chr19-38489343-A-G. GRCh37 (hg19) VCF-style: chr19-38979983-A-G.
Other names: c.5714A>G, p.Asp1905Gly (NM_001042723.2); short protein forms D1905G.
Identifiers: ClinVar variation 1054212 (VCV001054212.9), dbSNP rs2145559025, ClinGen allele CA405658883.

ClinVar aggregate classification (germline): Uncertain significance (1 of 4 stars; one submission).

Conditions:
RYR1-related disorder. Also called: RYR1-related condition; RYR1-related disorders. Identifiers: MedGen CN239331.

Submission:

Labcorp Genetics (formerly Invitae), Labcorp
Classification: Uncertain significance for RYR1-related disorder. Last evaluated: 2022-07-05. Review status: criteria provided, single submitter. Criteria: Invitae Variant Classification Sherloc (09022015). Collection method: clinical testing. Allele origin: germline.
Comment: This sequence change replaces aspartic acid, which is acidic and polar, with glycine, which is neutral and non-polar, at codon 1905 of the RYR1 protein (p.Asp1905Gly). This variant is not present in population databases (gnomAD no frequency). This variant has not been reported in the literature in individuals affected with RYR1-related conditions. ClinVar contains an entry for this variant (Variation ID: 1054212). Advanced modeling of protein sequence and biophysical properties (such as structural, functional, and spatial information, amino acid conservation, physicochemical variation, residue mobility, and thermodynamic stability) performed at Invitae indicates that this missense variant is not expected to disrupt RYR1 protein function. In summary, the available evidence is currently insufficient to determine the role of this variant in disease. Therefore, it has been classified as a Variant of Uncertain Significance. Algorithms developed to predict the effect of sequence changes on RNA splicing suggest that this variant may create or strengthen a splice site.